The following is an entry in ClinVar:

ClinVar aggregate classification (germline): Benign. Review status: criteria provided, multiple submitters, no conflicts (2 of 4 stars). 2 submissions from 2 submitters: Benign (2). Last evaluated 2018-01-13.

Conditions:
Xeroderma pigmentosum, group F (XPF). Also called: XERODERMA PIGMENTOSUM, COMPLEMENTATION GROUP F; XERODERMA PIGMENTOSUM VI; XP, GROUP F; ERCC4-Related Xeroderma Pigmentosum; XERODERMA PIGMENTOSUM, TYPE F; Xeroderma pigmentosum, type 6. Identifiers: MedGen C0268140, MONDO:0010215, OMIM 278760.

Allele frequency attached by ClinVar (database versions not stated): gnomAD exomes 0.32063; 1000 Genomes Project 30x 0.25062; 1000 Genomes Project 0.25919; TOPMed 0.28908.
gnomAD v4.1: 70,770 of 232,858 alleles (30%); highest among the groups gnomAD compares: Middle Eastern, 39%; 11,178 homozygotes.

Submissions (2):

Illumina Laboratory Services, Illumina
Classification: Benign for Xeroderma pigmentosum, group F. Last evaluated: 2018-01-13. Review status: criteria provided, single submitter. Criteria: ICSL Variant Classification Criteria 13 December 2019. Collection method: clinical testing. Allele origin: germline.
Comment: This variant was observed in the ICSL laboratory as part of a predisposition screen in an ostensibly healthy population. It had not been previously curated by ICSL or reported in the Human Gene Mutation Database (HGMD: prior to June 1st, 2018), and was therefore a candidate for classification through an automated scoring system. Utilizing variant allele frequency, disease prevalence and penetrance estimates, and inheritance mode, an automated score was calculated to assess if this variant is too frequent to cause the disease. Based on the score and internal cut-off values, a variant classified as benign is not then subjected to further curation. The score for this variant resulted in a classification of benign for this disease.

Breakthrough Genomics
Classification: Benign. Review status: criteria provided, single submitter. Criteria: ACMG Guidelines, 2015. Collection method: not provided. Allele origin: germline. Inheritance: Autosomal recessive inheritance. Affected: yes.

NM_005236.3(ERCC4):c.*810G>A

Gene: ERCC4 (ERCC excision repair 4, endonuclease catalytic subunit; plus strand). Cytogenetic location: 16p13.12.
Variant type: single nucleotide variant.
Coding change: c.*810G>A on transcript NM_005236.3 (MANE Select); 810 bases downstream of the stop codon, G replaced by A.
Molecular consequence: 3 prime UTR variant.
Genome position (GRCh38, 1-based): chr16:13,949,157, G>A. VCF-style: chr16-13949157-G-A. GRCh37 (hg19) VCF-style: chr16-14043014-G-A.
Identifiers: ClinVar variation 317837 (VCV000317837.6), dbSNP rs2276465, ClinGen allele CA10646973.